The following is an entry in ClinVar:

ClinVar aggregate classification (germline): Pathogenic (1 of 4 stars; one submission).

Submission:

Labcorp Genetics (formerly Invitae), Labcorp
Classification: Pathogenic. Last evaluated: 2023-06-20. Review status: criteria provided, single submitter. Criteria: Invitae Variant Classification Sherloc (09022015). Collection method: clinical testing. Allele origin: germline.
Comment: This sequence change replaces arginine, which is basic and polar, with glycine, which is neutral and non-polar, at codon 3191 of the MYO15A protein (p.Arg3191Gly). This variant is not present in population databases (gnomAD no frequency). This missense change has been observed in individual(s) with hearing loss (PMID: 23804846; Invitae). In at least one individual the data is consistent with being in trans (on the opposite chromosome) from a pathogenic variant. Advanced modeling of protein sequence and biophysical properties (such as structural, functional, and spatial information, amino acid conservation, physicochemical variation, residue mobility, and thermodynamic stability) performed at Invitae indicates that this missense variant is expected to disrupt MYO15A protein function. This variant disrupts the p.Arg3191 amino acid residue in MYO15A. Other variant(s) that disrupt this residue have been observed in individuals with MYO15A-related conditions (PMID: 31301639, 32747562), which suggests that this may be a clinically significant amino acid residue. For these reasons, this variant has been classified as Pathogenic.

Literature cited by the submitters: PubMed 23804846; PubMed 31301639; PubMed 32747562.

NM_016239.4(MYO15A):c.9571C>G (p.Arg3191Gly)

Gene: MYO15A (myosin XVA; plus strand). Cytogenetic location: 17p11.2.
Variant type: single nucleotide variant.
Coding change: c.9571C>G on transcript NM_016239.4 (MANE Select); coding-DNA position 9571, C replaced by G.
Protein change: p.Arg3191Gly; replaces arginine 3191 with glycine.
Molecular consequence: missense variant.
Genome position (GRCh38, 1-based): chr17:18,162,638, C>G. VCF-style: chr17-18162638-C-G. GRCh37 (hg19) VCF-style: chr17-18065952-C-G.
Other names: short protein forms R3191G.
Identifiers: ClinVar variation 2736479 (VCV002736479.3), dbSNP rs1297765168, ClinGen allele CA398638234.